The following is an entry in ClinVar:

ClinVar aggregate classification (germline): Benign (1 of 4 stars; one submission).

Conditions:
Oligodontia-cancer predisposition syndrome. Also called: TOOTH AGENESIS-COLORECTAL CANCER SYNDROME. Identifiers: Orphanet 300576, MedGen C1837750, MONDO:0012075, OMIM 608615. Disease mechanism: loss of function.

gnomAD v4.1: 5 of 1,614,012 alleles (0.00031%); highest among the groups gnomAD compares: Non-Finnish European, 0.00042%; no homozygotes.

Submission:

Myriad Genetics, Inc.
Classification: Benign for Oligodontia-cancer predisposition syndrome. Last evaluated: 2024-07-05. Review status: criteria provided, single submitter. Criteria: Myriad Autosomal Dominant, Autosomal Recessive and X-Linked Classification Criteria (2023). Collection method: clinical testing. Allele origin: unknown.
Comment: This variant is considered benign. This variant is a silent/synonymous amino acid change and it is not expected to impact splicing.

NM_004655.4(AXIN2):c.1614G>C (p.Arg538=)

Gene: AXIN2 (axin 2; minus strand). Cytogenetic location: 17q24.1.
Variant type: single nucleotide variant.
Coding change: c.1614G>C on transcript NM_004655.4 (MANE Select); coding-DNA position 1614, G replaced by C.
Protein change: p.Arg538=; no amino-acid change (arginine 538 retained).
Molecular consequence: synonymous variant.
Genome position (GRCh38, 1-based): chr17:65,537,422, C>G on the plus strand (G>C on the coding strand, the complement: AXIN2 is on the minus strand). VCF-style: chr17-65537422-C-G. GRCh37 (hg19) VCF-style: chr17-63533540-C-G.
Other names: c.1614G>C, p.Arg538= (NM_001363813.1).
Identifiers: ClinVar variation 3379042 (VCV003379042.1).